The following is an entry in ClinVar:

NC_000005.10:g.112707447C>A

Gene: APC (APC regulator of Wnt signaling pathway; plus strand). Cytogenetic location: 5q22.2.
Variant type: single nucleotide variant.
Genome position: GRCh38 VCF-style: chr5-112707447-C-A. GRCh37 (hg19) VCF-style: chr5-112043144-C-A.
Identifiers: ClinVar variation 2057826 (VCV002057826.5), dbSNP rs1750562869, ClinGen allele CA2580072247.

ClinVar aggregate classification (germline): Uncertain significance (1 of 4 stars; one submission).

Conditions:
Familial adenomatous polyposis 1 (FAP1). Also called: POLYPOSIS, ADENOMATOUS INTESTINAL; FAMILIAL ADENOMATOUS POLYPOSIS 1, ATTENUATED. Identifiers: MedGen C2713442, MONDO:0021056, OMIM 175100. Disease mechanism: loss of function.

Submission:

Labcorp Genetics (formerly Invitae), Labcorp
Classification: Uncertain significance for Familial adenomatous polyposis 1. Last evaluated: 2021-12-24. Review status: criteria provided, single submitter. Criteria: Invitae Variant Classification Sherloc (09022015). Collection method: clinical testing. Allele origin: germline.
Comment: This variant occurs in a non-coding region of the APC gene. It does not change the encoded amino acid sequence of the APC protein. This variant is not present in population databases (gnomAD no frequency). This variant has not been reported in the literature in individuals affected with APC-related conditions. Experimental studies and prediction algorithms are not available or were not evaluated, and the functional significance of this variant is currently unknown. In summary, the available evidence is currently insufficient to determine the role of this variant in disease. Therefore, it has been classified as a Variant of Uncertain Significance.